The following is an entry in ClinVar:

NM_145200.5(CABP4):c.554T>C (p.Val185Ala)

Gene: CABP4 (calcium binding protein 4; plus strand). Cytogenetic location: 11q13.2.
Variant type: single nucleotide variant.
Coding change: c.554T>C on transcript NM_145200.5 (MANE Select); coding-DNA position 554, T replaced by C.
Protein change: p.Val185Ala; replaces valine 185 with alanine.
Molecular consequence: missense variant. On other transcripts: non-coding transcript variant (1).
Genome position (GRCh38, 1-based): chr11:67,457,585, T>C. VCF-style: chr11-67457585-T-C. GRCh37 (hg19) VCF-style: chr11-67225056-T-C.
Other names: c.239T>C, p.Val80Ala (NM_001300895.3, NM_001300896.3, NM_001379183.1); short protein forms V80A, V185A.
Identifiers: ClinVar variation 1501168 (VCV001501168.5), dbSNP rs749115440, ClinGen allele CA6140278.

ClinVar aggregate classification (germline): Uncertain significance (1 of 4 stars; one submission).

Allele frequency attached by ClinVar (database versions not stated): gnomAD exomes 0.00001 and 0.00002; ExAC 0.00003.
gnomAD v4.1: 19 of 1,593,438 alleles (0.0012%); highest among the groups gnomAD compares: Non-Finnish European, 0.0013%; no homozygotes.

Submission:

Labcorp Genetics (formerly Invitae), Labcorp
Classification: Uncertain significance. Last evaluated: 2022-03-10. Review status: criteria provided, single submitter. Criteria: Invitae Variant Classification Sherloc (09022015). Collection method: clinical testing. Allele origin: germline.
Comment: This sequence change replaces valine, which is neutral and non-polar, with alanine, which is neutral and non-polar, at codon 185 of the CABP4 protein (p.Val185Ala). The frequency data for this variant in the population databases is considered unreliable, as metrics indicate poor data quality at this position in the gnomAD database. This variant has not been reported in the literature in individuals affected with CABP4-related conditions. Algorithms developed to predict the effect of missense changes on protein structure and function (SIFT, PolyPhen-2, Align-GVGD) all suggest that this variant is likely to be disruptive. In summary, the available evidence is currently insufficient to determine the role of this variant in disease. Therefore, it has been classified as a Variant of Uncertain Significance.